The following is an entry in ClinVar:

NM_002778.4(PSAP):c.1192+6C>T

Gene: PSAP (prosaposin; minus strand). Cytogenetic location: 10q22.1.
Variant type: single nucleotide variant.
Coding change: c.1192+6C>T on transcript NM_002778.4 (MANE Select); 6 bases into the intron after coding-DNA position 1192, C replaced by T.
Molecular consequence: intron variant.
Genome position (GRCh38, 1-based): chr10:71,819,708, G>A on the plus strand (C>T on the coding strand, the complement: PSAP is on the minus strand). VCF-style: chr10-71819708-G-A. GRCh37 (hg19) VCF-style: chr10-73579465-G-A.
Other names: c.1192+6C>T (NM_002778.3); c.1198+6C>T (NM_001042466.3); c.1201+6C>T (NM_001042465.3).
Identifiers: ClinVar variation 2061492 (VCV002061492.5), dbSNP rs374560502, ClinGen allele CA5547460.
Genomic context (GRCh38, chr10:71,819,708, plus strand): 5'-CGCTGGCAGGGCCCTCCCAGACCCAAGAGGGGCACCATCCTCTCCCGCACCACACCCAGC[G>A]CTCACCGGTCAGTGCAGGCAGCCGCGTGCCAGAGCAGAGGTGCAGCATGCTGCACACCAG-3'

ClinVar aggregate classification (germline): Conflicting classifications of pathogenicity. Review status: criteria provided, conflicting classifications (1 of 4 stars). 4 submissions from 4 submitters: Uncertain significance (2); Likely benign (1). 1 of the submissions does not count toward it. Last evaluated 2024-01-15.

Conditions:
Sphingolipid activator protein 1 deficiency. Also called: METACHROMATIC LEUKODYSTROPHY DUE TO CEREBROSIDE SULFATASE ACTIVATOR DEFICIENCY; Metachromatic leukodystrophy due to saposin B deficiency; Saposin B Deficiency. Identifiers: Orphanet 512, MedGen C0268262, MONDO:0009590, OMIM 249900.
PSAP-related disorder. Also called: PSAP-related condition.
Inborn genetic diseases. Identifiers: MedGen C0950123, MeSH D030342.

Allele frequency attached by ClinVar (database versions not stated): gnomAD exomes 0.00002; ExAC 0.00006; gnomAD 0.00012; ESP Exome Variant Server 0.00015; TOPMed 0.00015.
gnomAD v4.1: 56 of 1,613,886 alleles (0.0035%); highest among the groups gnomAD compares: African/African-American, 0.037%; no homozygotes.

Submissions (4):

Labcorp Genetics (formerly Invitae), Labcorp
Classification: Uncertain significance for Sphingolipid activator protein 1 deficiency. Last evaluated: 2024-01-15. Review status: criteria provided, single submitter. Criteria: Invitae Variant Classification Sherloc (09022015). Collection method: clinical testing. Allele origin: germline.
Comment: This sequence change falls in intron 10 of the PSAP gene. It does not directly change the encoded amino acid sequence of the PSAP protein. It affects a nucleotide within the consensus splice site. This variant is present in population databases (rs374560502, gnomAD 0.04%). This variant has not been reported in the literature in individuals affected with PSAP-related conditions. ClinVar contains an entry for this variant (Variation ID: 2061492). Variants that disrupt the consensus splice site are a relatively common cause of aberrant splicing (PMID: 17576681, 9536098). Algorithms developed to predict the effect of sequence changes on RNA splicing suggest that this variant is not likely to affect RNA splicing. In summary, the available evidence is currently insufficient to determine the role of this variant in disease. Therefore, it has been classified as a Variant of Uncertain Significance.

Ambry Genetics
Classification: Uncertain significance for Inborn genetic diseases. Last evaluated: 2020-12-08. Review status: criteria provided, single submitter. Criteria: Ambry Variant Classification Scheme 2023. Collection method: clinical testing. Allele origin: germline.
Comment: The c.1192+6C>T intronic alteration consists of a C to T substitution 6 nucleotides after exon 10 (coding exon 10) in the PSAP gene. In silico splice site analysis predicts that this alteration will not have any significant effect on splicing. Based on insufficient or conflicting evidence, the clinical significance of this alteration remains unclear.

Blueprint Genetics
Classification: Likely benign. Last evaluated: 2019-12-19. Review status: criteria provided, single submitter. Criteria: ACMG Guidelines, 2015. Collection method: clinical testing. Allele origin: germline.

PreventionGenetics, part of Exact Sciences
Classification: Likely benign for PSAP-related condition. Last evaluated: 2024-04-25. Review status: no assertion criteria provided. Collection method: clinical testing. Allele origin: germline. Not counted in ClinVar's aggregate classification.
Comment: This variant is classified as likely benign based on ACMG/AMP sequence variant interpretation guidelines (Richards et al. 2015 PMID: 25741868, with internal and published modifications).

Literature cited by the submitters: PubMed 17576681 (cited by Labcorp Genetics (formerly Invitae), Labcorp); PubMed 9536098 (cited by Labcorp Genetics (formerly Invitae), Labcorp).